The following is an entry in ClinVar:

ClinVar aggregate classification (germline): Conflicting classifications of pathogenicity. Review status: criteria provided, conflicting classifications (1 of 4 stars). 2 submissions from 2 submitters: Likely pathogenic (1); Uncertain significance (1). Last evaluated 2026-09-01.

Conditions:
Hypophosphatasia. Also called: Phosphoethanol-aminuria. Identifiers: Orphanet 436, MedGen C0020630, MeSH D007014, MONDO:0018570.

gnomAD v4.1: 1 of 1,614,130 alleles (0.000062%); highest among the groups gnomAD compares: Non-Finnish European, 0.000085%; no homozygotes.

Submissions (2):

Genomenon, Inc
Classification: Uncertain significance for Hypophosphatasia. Last evaluated: 2026-09-01. Review status: criteria provided, single submitter. Criteria: Genomenon Sequence Variant Interpretation Standards - Updated. Collection method: curation. Allele origin: germline. Affected: no.
Comment: ALPL p.Ala33Gly (c.98C>G) is a missense variant that changes the amino acid at codon 33 from Alanine to Glycine. This variant has been reported in the published literature (PMID:33452237). It is absent or not present at a significant frequency in gnomAD. In silico models predict that this variant is possibly or probably damaging. In conclusion, we classify ALPL p.Ala33Gly (c.98C>G) as a variant of uncertain significance.

Labcorp Genetics (formerly Invitae), Labcorp
Classification: Likely pathogenic. Last evaluated: 2024-01-02. Review status: criteria provided, single submitter. Criteria: Invitae Variant Classification Sherloc (09022015). Collection method: clinical testing. Allele origin: germline.
Comment: This sequence change replaces alanine, which is neutral and non-polar, with glycine, which is neutral and non-polar, at codon 33 of the ALPL protein (p.Ala33Gly). This variant is present in population databases (rs121918005, gnomAD 0.0009%). This variant has not been reported in the literature in individuals affected with ALPL-related conditions. Advanced modeling of protein sequence and biophysical properties (such as structural, functional, and spatial information, amino acid conservation, physicochemical variation, residue mobility, and thermodynamic stability) performed at Invitae indicates that this missense variant is expected to disrupt ALPL protein function with a positive predictive value of 95%. This variant disrupts the p.Ala33 amino acid residue in ALPL. Other variant(s) that disrupt this residue have been determined to be pathogenic (PMID: 1409720, 15694177, 17253930, 22397652, 25731960). This suggests that this residue is clinically significant, and that variants that disrupt this residue are likely to be disease-causing. In summary, the currently available evidence indicates that the variant is pathogenic, but additional data are needed to prove that conclusively. Therefore, this variant has been classified as Likely Pathogenic.

Literature cited by the submitters: PubMed 33452237 (cited by Genomenon, Inc); PubMed 1409720 (cited by Labcorp Genetics (formerly Invitae), Labcorp); PubMed 15694177 (cited by Labcorp Genetics (formerly Invitae), Labcorp); PubMed 17253930 (cited by Labcorp Genetics (formerly Invitae), Labcorp); PubMed 22397652 (cited by Labcorp Genetics (formerly Invitae), Labcorp); PubMed 25731960 (cited by Labcorp Genetics (formerly Invitae), Labcorp).

NM_000478.6(ALPL):c.98C>G (p.Ala33Gly)

Gene: ALPL (alkaline phosphatase, biomineralization associated; plus strand). Cytogenetic location: 1p36.12.
Variant type: single nucleotide variant.
Coding change: c.98C>G on transcript NM_000478.6 (MANE Select); coding-DNA position 98, C replaced by G.
Protein change: p.Ala33Gly; replaces alanine 33 with glycine.
Molecular consequence: missense variant. On other transcripts: 5 prime UTR variant (2).
Genome position (GRCh38, 1-based): chr1:21,560,662, C>G. VCF-style: chr1-21560662-C-G. GRCh37 (hg19) VCF-style: chr1-21887155-C-G.
Other names: c.-68C>G (NM_001127501.4); c.-18C>G (NM_001177520.3); c.98C>G, p.Ala33Gly (NM_001369803.2, NM_001369804.2, NM_001369805.2); short protein forms A33G.
Identifiers: ClinVar variation 2779957 (VCV002779957.4), dbSNP rs121918005, ClinGen allele CA666394.